The following is an entry in ClinVar:

ClinVar aggregate classification (germline): Uncertain significance (1 of 4 stars; one submission).

Submission:

GeneDx
Classification: Uncertain significance. Last evaluated: 2021-01-12. Review status: criteria provided, single submitter. Criteria: GeneDx Variant Classification Process June 2021. Collection method: clinical testing. Allele origin: germline. Affected: yes.
Comment: Not observed in large population cohorts (Lek et al., 2016); In silico analysis supports that this missense variant has a deleterious effect on protein structure/function; Has not been previously published as pathogenic or benign to our knowledge; Variants in candidate genes are classified as variants of uncertain significance in accordance with ACMG guidelines (Richards et al., 2015)

NM_001923.5(DDB1):c.3013A>G (p.Asn1005Asp)

Gene: DDB1 (damage specific DNA binding protein 1; minus strand). Cytogenetic location: 11q12.2.
Variant type: single nucleotide variant.
Coding change: c.3013A>G on transcript NM_001923.5 (MANE Select); coding-DNA position 3013, A replaced by G.
Protein change: p.Asn1005Asp; replaces asparagine 1005 with aspartic acid.
Molecular consequence: missense variant.
Genome position (GRCh38, 1-based): chr11:61,302,681, T>C on the plus strand (A>G on the coding strand, the complement: DDB1 is on the minus strand). VCF-style: chr11-61302681-T-C. GRCh37 (hg19) VCF-style: chr11-61070153-T-C.
Other names: short protein forms N1005D.
Identifiers: ClinVar variation 1320499 (VCV001320499.2), dbSNP rs2134892719, ClinGen allele CA380657753.